The following is an entry in ClinVar:

ClinVar aggregate classification (germline): Uncertain significance (1 of 4 stars; one submission).

Submission:

Dasa
Classification: Uncertain significance. Last evaluated: 2026-03-19. Review status: criteria provided, single submitter. Criteria: DASA Assertion Criteria. Collection method: clinical testing. Allele origin: germline.
Comment: NM_001374736.1(DST):c.18611A>G (p.His6204Arg) is a missense variant that results in the substitution of histidine with arginine. This variant is rare in population databases. The currently available literature and clinical evidence are not sufficient to establish a definitive association between this variant and the reported condition. Therefore, this variant is classified as a variant of uncertain significance.

NM_001374736.1(DST):c.18611A>G (p.His6204Arg)

Gene: DST (dystonin; minus strand). Cytogenetic location: 6p12.1.
Variant type: single nucleotide variant.
Coding change: c.18611A>G on transcript NM_001374736.1 (MANE Select); coding-DNA position 18611, A replaced by G.
Protein change: p.His6204Arg; replaces histidine 6204 with arginine.
Molecular consequence: missense variant.
Genome position (GRCh38, 1-based): chr6:56,511,366, T>C on the plus strand (A>G on the coding strand, the complement: DST is on the minus strand). VCF-style: chr6-56511366-T-C. GRCh37 (hg19) VCF-style: chr6-56376164-T-C.
Other names: c.12254A>G, p.His4085Arg (NM_001144769.5); c.11840A>G, p.His3947Arg (NM_001144770.2); c.18611A>G, p.His6204Arg (NM_001374722.1); c.17651A>G, p.His5884Arg (NM_001374729.1); c.11393A>G, p.His3798Arg (NM_001374730.1); c.18638A>G, p.His6213Arg (NM_001374734.1); c.11720A>G, p.His3907Arg (NM_001386100.1, NM_183380.4); c.10742A>G, p.His3581Arg (NM_015548.5); short protein forms H3581R, H3798R, H3907R, H3947R, H4085R, H5884R, H6204R, H6213R.
Identifiers: ClinVar variation 4884928 (VCV004884928.2).